The following is an entry in ClinVar:

NM_001203.3(BMPR1B):c.476A>G (p.Tyr159Cys)

Gene: BMPR1B (bone morphogenetic protein receptor type 1B; plus strand). Cytogenetic location: 4q22.3.
Variant type: single nucleotide variant.
Coding change: c.476A>G on transcript NM_001203.3 (MANE Select); coding-DNA position 476, A replaced by G.
Protein change: p.Tyr159Cys; replaces tyrosine 159 with cysteine.
Molecular consequence: missense variant.
Genome position (GRCh38, 1-based): chr4:95,125,012, A>G. VCF-style: chr4-95125012-A-G. GRCh37 (hg19) VCF-style: chr4-96046163-A-G.
Other names: c.476A>G, p.Tyr159Cys (NM_001256792.2, NM_001256794.1); c.566A>G, p.Tyr189Cys (NM_001256793.2); short protein forms Y159C, Y189C.
Identifiers: ClinVar variation 639889 (VCV000639889.9), dbSNP rs1579119447, ClinGen allele CA357680156.

ClinVar aggregate classification (germline): Uncertain significance (1 of 4 stars; one submission).

Conditions:
Type A2 brachydactyly (BDA2). Also called: BRACHYMESOPHALANGY II; Brachymesophalangy type 2; MOHR-WRIEDT TYPE BRACHYDACTYLY. Identifiers: Orphanet 93396, MedGen C1832702, MONDO:0007216, OMIM 112600, HP:0009372.
Acromesomelic dysplasia 3 (AMD3). Also called: CHONDRODYSPLASIA, ACROMESOMELIC, WITH OR WITHOUT GENITAL ANOMALIES; Acromesomelic dysplasia, Demirhan type. Identifiers: MedGen C4225404, MONDO:0012274, OMIM 609441.

Allele frequency attached by ClinVar (database versions not stated): TOPMed below 0.00001.

Submission:

Labcorp Genetics (formerly Invitae), Labcorp
Classification: Uncertain significance for Type A2 brachydactyly; Acromesomelic dysplasia 3. Last evaluated: 2022-03-18. Review status: criteria provided, single submitter. Criteria: Invitae Variant Classification Sherloc (09022015). Collection method: clinical testing. Allele origin: germline.
Comment: This variant has not been reported in the literature in individuals affected with BMPR1B-related conditions. ClinVar contains an entry for this variant (Variation ID: 639889). Advanced modeling of protein sequence and biophysical properties (such as structural, functional, and spatial information, amino acid conservation, physicochemical variation, residue mobility, and thermodynamic stability) performed at Invitae indicates that this missense variant is not expected to disrupt BMPR1B protein function. In summary, the available evidence is currently insufficient to determine the role of this variant in disease. Therefore, it has been classified as a Variant of Uncertain Significance. This variant is not present in population databases (gnomAD no frequency). This sequence change replaces tyrosine, which is neutral and polar, with cysteine, which is neutral and slightly polar, at codon 159 of the BMPR1B protein (p.Tyr159Cys).